The following is an entry in ClinVar:

ClinVar aggregate classification (germline): Conflicting classifications of pathogenicity. Review status: criteria provided, conflicting classifications (1 of 4 stars). 4 submissions from 4 submitters: Uncertain significance (1); Benign (2). 1 of the submissions does not count toward it. Last evaluated 2026-01-12.

Conditions:
FASN-related disorder. Also called: FASN-related condition.
Epileptic encephalopathy. Identifiers: MedGen C0543888, HP:0200134.

Allele frequency attached by ClinVar (database versions not stated): 1000 Genomes Project 0.00040; 1000 Genomes Project 30x 0.00047; ESP Exome Variant Server 0.00062; TOPMed 0.00106; gnomAD 0.00142 and 0.00143; gnomAD exomes 0.00151; ExAC 0.00234.
gnomAD v4.1: 2,781 of 1,596,154 alleles (0.17%); highest among the groups gnomAD compares: Non-Finnish European, 0.19%; 9 homozygotes.

Submissions (4):

Labcorp Genetics (formerly Invitae), Labcorp
Classification: Benign for Epileptic encephalopathy. Last evaluated: 2026-01-12. Review status: criteria provided, single submitter. Criteria: Invitae Variant Classification Sherloc (09022015). Collection method: clinical testing. Allele origin: germline.

Ambry Genetics
Classification: Uncertain significance. Last evaluated: 2025-11-26. Review status: criteria provided, single submitter. Criteria: Ambry Variant Classification Scheme 2023. Collection method: clinical testing. Allele origin: germline.

Breakthrough Genomics
Classification: Benign. Review status: criteria provided, single submitter. Criteria: ACMG Guidelines, 2015. Collection method: not provided. Allele origin: germline. Inheritance: Unknown mechanism. Affected: yes.

PreventionGenetics, part of Exact Sciences
Classification: Likely benign for FASN-related condition. Last evaluated: 2021-02-22. Review status: no assertion criteria provided. Collection method: clinical testing. Allele origin: germline. Not counted in ClinVar's aggregate classification.
Comment: This variant is classified as likely benign based on ACMG/AMP sequence variant interpretation guidelines (Richards et al. 2015 PMID: 25741868, with internal and published modifications).

NM_004104.5(FASN):c.3974C>T (p.Pro1325Leu)

Gene: FASN (fatty acid synthase; minus strand). Cytogenetic location: 17q25.3.
Variant type: single nucleotide variant.
Coding change: c.3974C>T on transcript NM_004104.5 (MANE Select); coding-DNA position 3974, C replaced by T.
Protein change: p.Pro1325Leu; replaces proline 1325 with leucine.
Molecular consequence: missense variant.
Genome position (GRCh38, 1-based): chr17:82,085,630, G>A on the plus strand (C>T on the coding strand, the complement: FASN is on the minus strand). VCF-style: chr17-82085630-G-A. GRCh37 (hg19) VCF-style: chr17-80043506-G-A.
Other names: short protein forms P1325L.
Identifiers: ClinVar variation 462048 (VCV000462048.16), dbSNP rs150915750, ClinGen allele CA8852235.